The following is an entry in ClinVar:

NM_003384.3(VRK1):c.574C>A (p.Gln192Lys)

Gene: VRK1 (VRK serine/threonine kinase 1; plus strand). Cytogenetic location: 14q32.2.
Variant type: single nucleotide variant.
Coding change: c.574C>A on transcript NM_003384.3 (MANE Select); coding-DNA position 574, C replaced by A.
Protein change: p.Gln192Lys; replaces glutamine 192 with lysine.
Molecular consequence: missense variant.
Genome position (GRCh38, 1-based): chr14:96,853,164, C>A. VCF-style: chr14-96853164-C-A. GRCh37 (hg19) VCF-style: chr14-97319501-C-A.
Other names: c.574C>A, p.Gln192Lys (NM_001411051.1, NM_001411053.1); short protein forms Q192K.
Identifiers: ClinVar variation 3775425 (VCV003775425.1).

ClinVar aggregate classification (germline): Uncertain significance (1 of 4 stars; one submission).

Conditions:
Neuronopathy, distal hereditary motor, autosomal recessive 10 (HMNR10). Also called: NEUROPATHY, DISTAL HEREDITARY MOTOR, AUTOSOMAL RECESSIVE 10; VRK1-RELATED MOTOR NEURON DISEASE. Identifiers: MedGen C5882703, MONDO:0957876, OMIM 620542.

gnomAD v4.1: 2 of 1,612,258 alleles (0.00012%); highest among the groups gnomAD compares: Non-Finnish European, 0.00017%; no homozygotes.

Submission:

3billion
Classification: Uncertain significance for Neuronopathy, distal hereditary motor, autosomal recessive 10. Last evaluated: 2023-12-05. Review status: criteria provided, single submitter. Criteria: ACMG Guidelines, 2015. Collection method: clinical testing. Allele origin: germline. Affected: yes.
Comment: The variant is not observed in the gnomAD v2.1.1 dataset. Predicted Consequence/Location: Missense variant In silico tool predictions suggest damaging effect of the variant on gene or gene product [REVEL: 0.31 (>=0.6, sensitivity 0.68 and specificity 0.92); 3Cnet: 0.71 (>=0.6, sensitivity 0.72 and precision 0.9)]. Therefore, this variant is classified as VUS according to the recommendation of ACMG/AMP guideline.